The following is an entry in ClinVar:

NM_138796.4(SPATA17):c.863A>T (p.Asn288Ile)

Genes: SPATA17 (spermatogenesis associated 17; plus strand), SPATA17-AS1 (SPATA17 antisense RNA 1; minus strand). Cytogenetic location: 1q41.
Variant type: single nucleotide variant.
Coding change: c.863A>T on transcript NM_138796.4 (MANE Select); coding-DNA position 863, A replaced by T.
Protein change: p.Asn288Ile; replaces asparagine 288 with isoleucine.
Molecular consequence: missense variant.
Genome position (GRCh38, 1-based): chr1:217,782,313, A>T. VCF-style: chr1-217782313-A-T. GRCh37 (hg19) VCF-style: chr1-217955655-A-T.
Other names: c.863A>T (NM_138796.2); c.863A>T, p.Asn288Ile (NM_001375655.1); short protein forms N288I.
Identifiers: ClinVar variation 2639902 (VCV002639902.25), dbSNP rs114098188, ClinGen allele CA1397994.
Genomic context (GRCh38, chr1:217,782,313, plus strand): 5'-TCGATGAGTTAAAGTTGGCCAGAGAGGAGCTCAGAAGAGAGGAATGGCTGCAAAATGTAA[A>T]TGACAATATGTGAGTTCTTAGCTTAACAAAAATAGCTGTGACATATTTGGTGCCTTAAAT-3'
Protein context (NP_620151.1, residues 278-298): LRREEWLQNV[Asn288Ile]DNMFLPFSSY

ClinVar aggregate classification (germline): Conflicting classifications of pathogenicity. Review status: criteria provided, conflicting classifications (1 of 4 stars). 2 submissions from 2 submitters: Uncertain significance (1); Likely benign (1). Last evaluated 2025-08-04.

Allele frequency attached by ClinVar (database versions not stated): gnomAD exomes 0.00030; ExAC 0.00094; gnomAD 0.00275; ESP Exome Variant Server 0.00292; 1000 Genomes Project 0.00519; 1000 Genomes Project 30x 0.00578.
gnomAD v4.1: 886 of 1,608,006 alleles (0.055%); highest among the groups gnomAD compares: African/African-American, 0.91%; 3 homozygotes.

Submissions (2):

Ambry Genetics
Classification: Uncertain significance. Last evaluated: 2025-08-04. Review status: criteria provided, single submitter. Criteria: Ambry Variant Classification Scheme 2023. Collection method: clinical testing. Allele origin: germline.

CeGaT Center for Human Genetics Tuebingen
Classification: Likely benign. Last evaluated: 2023-05-01. Review status: criteria provided, single submitter. Criteria: CeGaT Center For Human Genetics Tuebingen Variant Classification Criteria Version 2. Collection method: clinical testing. Allele origin: germline. Affected: yes. Observed: 1 variant allele.
Comment: SPATA17: BP4